The following is an entry in ClinVar:

ClinVar aggregate classification (germline): Uncertain significance (1 of 4 stars; one submission).

Conditions:
Long QT syndrome (LQTS). Identifiers: MedGen C0023976, MeSH D008133, MONDO:0002442. Disease mechanism: loss of function. Inheritance: Various modes of inheritance.

Submission:

Labcorp Genetics (formerly Invitae), Labcorp
Classification: Uncertain significance for Long QT syndrome. Last evaluated: 2021-08-06. Review status: criteria provided, single submitter. Criteria: Invitae Variant Classification Sherloc (09022015). Collection method: clinical testing. Allele origin: germline.
Comment: This sequence change falls in intron 8 of the KCNH2 gene. It does not directly change the encoded amino acid sequence of the KCNH2 protein, but it affects a nucleotide within the consensus splice site of the intron. This variant is not present in population databases (ExAC no frequency). In summary, the available evidence is currently insufficient to determine the role of this variant in disease. Therefore, it has been classified as a Variant of Uncertain Significance. Nucleotide substitutions within the consensus splice site are a relatively common cause of aberrant splicing (PMID: 17576681, 9536098). Algorithms developed to predict the effect of sequence changes on RNA splicing suggest that this variant may disrupt the consensus splice site, but this prediction has not been confirmed by published transcriptional studies. This variant has not been reported in the literature in individuals with KCNH2-related conditions.

Literature cited by the submitters: PubMed 17576681; PubMed 9536098.

NM_000238.4(KCNH2):c.2145+5G>C

Gene: KCNH2 (potassium voltage-gated channel subfamily H member 2; minus strand). Cytogenetic location: 7q36.1.
Variant type: single nucleotide variant.
Coding change: c.2145+5G>C on transcript NM_000238.4 (MANE Select); 5 bases into the intron after coding-DNA position 2145, G replaced by C.
Molecular consequence: intron variant.
Genome position (GRCh38, 1-based): chr7:150,950,916, C>G on the plus strand (G>C on the coding strand, the complement: KCNH2 is on the minus strand). VCF-style: chr7-150950916-C-G. GRCh37 (hg19) VCF-style: chr7-150648004-C-G.
Other names: c.1857+5G>C (NM_001406753.1, NM_001406756.1); c.1125+5G>C (NM_172057.3, NM_001204798.2); c.2145+5G>C (NM_172056.3); c.1968+5G>C (NM_001406755.1); c.1845+5G>C (NM_001406757.1).
Identifiers: ClinVar variation 933782 (VCV000933782.9), dbSNP rs1801125030, ClinGen allele CA1139660305.